The following is an entry in ClinVar:

NM_001267550.2(TTN):c.90652A>G (p.Thr30218Ala)

Genes: TTN (titin; minus strand), TTN-AS1 (TTN antisense RNA 1; plus strand). Cytogenetic location: 2q31.2.
Variant type: single nucleotide variant.
Coding change: c.90652A>G on transcript NM_001267550.2 (MANE Select); coding-DNA position 90652, A replaced by G.
Protein change: p.Thr30218Ala; replaces threonine 30218 with alanine.
Molecular consequence: missense variant.
Genome position (GRCh38, 1-based): chr2:178,552,248, T>C on the plus strand (A>G on the coding strand, the complement: TTN is on the minus strand). VCF-style: chr2-178552248-T-C. GRCh37 (hg19) VCF-style: chr2-179416975-T-C.
Other names: c.85729A>G, p.Thr28577Ala (NM_001256850.1); c.63457A>G, p.Thr21153Ala (NM_003319.4); c.82948A>G, p.Thr27650Ala (NM_133378.4); c.63832A>G, p.Thr21278Ala (NM_133432.3); c.64033A>G, p.Thr21345Ala (NM_133437.4); short protein forms T30218A, T27650A, T28577A, T21345A, T21153A, T21278A.
Identifiers: ClinVar variation 332732 (VCV000332732.6), dbSNP rs768528782, ClinGen allele CA1987762.
Genomic context (GRCh38, chr2:178,552,248, plus strand): 5'-TGATTTCATCAAATCGAATGGGTCCTTTGGGCTTTGATGGTGGGCCAAGGGTGATGACTG[T>C]AATGGGGACTGCAATTCTACACACTGCATTATCAAGAATAACAGTGTATTTTCCTCCATG-3'
Protein context (NP_001254479.2, residues 30208-30228): NAVCRIAVPI[Thr30218Ala]VITLGPPSKP

ClinVar aggregate classification (germline): Conflicting classifications of pathogenicity. Review status: criteria provided, conflicting classifications (1 of 4 stars). 6 submissions from 2 submitters: Uncertain significance (3); Benign (2); Likely benign (1). Last evaluated 2023-03-31.

Conditions:
Autosomal recessive limb-girdle muscular dystrophy type 2J (LGMDR10). Also called: Limb-girdle muscular dystrophy, type 2J; MUSCULAR DYSTROPHY, LIMB-GIRDLE, AUTOSOMAL RECESSIVE 10. Identifiers: Orphanet 140922, MedGen C1837342, MONDO:0012127, OMIM 608807.
Myopathy, myofibrillar, 9, with early respiratory failure (MFM9). Also called: Hereditary myopathy with early respiratory failure; Myopathy, distal, with early respiratory failure, autosomal dominant; EDSTROM MYOPATHY; MYOPATHY, PROXIMAL, WITH EARLY RESPIRATORY MUSCLE INVOLVEMENT. Identifiers: Orphanet 178464, Orphanet 34521, MedGen C1863599, MONDO:0011362, OMIM 603689.
Dilated cardiomyopathy 1G (CMD1G). Identifiers: Orphanet 154, MedGen C1858763, MONDO:0011400, OMIM 604145.
Early-onset myopathy with fatal cardiomyopathy (CMYO5). Also called: Salih Myopathy; CONGENITAL MYOPATHY 5 WITH CARDIOMYOPATHY. Identifiers: Orphanet 289377, MedGen C2673677, MONDO:0012714, OMIM 611705. Disease mechanism: loss of function.
Tibial muscular dystrophy (TMD). Also called: Tibial muscular dystrophy, tardive; UDD MYOPATHY; Udd Distal Myopathy – Tibial Muscular Dystrophy. Identifiers: Orphanet 609, MedGen C1838244, MONDO:0010870, OMIM 600334.

Allele frequency attached by ClinVar (database versions not stated): gnomAD exomes below 0.00001 and 0.00002; TOPMed below 0.00001; gnomAD 0.00001; ExAC 0.00002.
gnomAD v4.1: 5 of 1,613,456 alleles (0.00031%); highest among the groups gnomAD compares: East Asian, 0.0089%; no homozygotes.

Submissions (6):

Blueprint Genetics
Classification: Likely benign. Last evaluated: 2023-03-31. Review status: criteria provided, single submitter. Criteria: ACMG Guidelines, 2015. Collection method: clinical testing. Allele origin: germline.

Illumina Laboratory Services, Illumina
Classification: Uncertain significance for Early-onset myopathy with fatal cardiomyopathy. Last evaluated: 2018-01-13. Review status: criteria provided, single submitter. Criteria: ICSL Variant Classification Criteria 13 December 2019. Collection method: clinical testing. Allele origin: germline.

Illumina Laboratory Services, Illumina
Classification: Uncertain significance for Dilated cardiomyopathy 1G. Last evaluated: 2018-01-13. Review status: criteria provided, single submitter. Criteria: ICSL Variant Classification Criteria 13 December 2019. Collection method: clinical testing. Allele origin: germline.

Illumina Laboratory Services, Illumina
Classification: Uncertain significance for Autosomal recessive limb-girdle muscular dystrophy type 2J. Last evaluated: 2018-01-13. Review status: criteria provided, single submitter. Criteria: ICSL Variant Classification Criteria 13 December 2019. Collection method: clinical testing. Allele origin: germline.

Illumina Laboratory Services, Illumina
Classification: Benign for Myopathy, myofibrillar, 9, with early respiratory failure. Last evaluated: 2018-01-13. Review status: criteria provided, single submitter. Criteria: ICSL Variant Classification Criteria 13 December 2019. Collection method: clinical testing. Allele origin: germline.
Comment: This variant was observed in the ICSL laboratory as part of a predisposition screen in an ostensibly healthy population. It had not been previously curated by ICSL or reported in the Human Gene Mutation Database (HGMD: prior to June 1st, 2018), and was therefore a candidate for classification through an automated scoring system. Utilizing variant allele frequency, disease prevalence and penetrance estimates, and inheritance mode, an automated score was calculated to assess if this variant is too frequent to cause the disease. Based on the score and internal cut-off values, a variant classified as benign is not then subjected to further curation. The score for this variant resulted in a classification of benign for this disease.

Illumina Laboratory Services, Illumina
Classification: Benign for Tibial muscular dystrophy. Last evaluated: 2018-01-13. Review status: criteria provided, single submitter. Criteria: ICSL Variant Classification Criteria 13 December 2019. Collection method: clinical testing. Allele origin: germline.
Comment: the same text as in the submission from Illumina Laboratory Services, Illumina above.